The following is an entry in ClinVar:

NM_004722.4(AP4M1):c.544-16TC[3]

Gene: AP4M1 (adaptor related protein complex 4 subunit mu 1; plus strand). Cytogenetic location: 7q22.1.
Variant type: Microsatellite.
Coding change: c.544-16TC[3] on transcript NM_004722.4 (MANE Select); three copies in a row of the 2-base unit TC starting at c.544-16.
Molecular consequence: intron variant.
Genome position: GRCh38 VCF-style: chr7-100104075-TTC-T. GRCh37 (hg19) VCF-style: chr7-99701698-TTC-T.
Other names: c.565-16TC[3] (NM_001363671.2); c.544-9_544-8delCT (NM_004722.3).
Identifiers: ClinVar variation 1639676 (VCV001639676.11), dbSNP rs751511522, ClinGen allele CA576421989.

ClinVar aggregate classification (germline): Likely benign. Review status: criteria provided, single submitter (1 of 4 stars). 2 submissions from 2 submitters: Likely benign (1). 1 of the submissions does not count toward it. Last evaluated 2023-07-17.

Conditions:
AP4M1-related disorder. Also called: AP4M1-related condition.
Hereditary spastic paraplegia 50 (SPG50). Also called: Spastic paraplegia 50, autosomal recessive. Identifiers: Orphanet 280763, MedGen C2752008, MONDO:0013048, OMIM 612936.

Submissions (2):

Labcorp Genetics (formerly Invitae), Labcorp
Classification: Likely benign for Hereditary spastic paraplegia 50. Last evaluated: 2023-07-17. Review status: criteria provided, single submitter. Criteria: Invitae Variant Classification Sherloc (09022015). Collection method: clinical testing. Allele origin: germline.

PreventionGenetics, part of Exact Sciences
Classification: Likely benign for AP4M1-related condition. Last evaluated: 2019-07-25. Review status: no assertion criteria provided. Collection method: clinical testing. Allele origin: germline. Not counted in ClinVar's aggregate classification.
Comment: This variant is classified as likely benign based on ACMG/AMP sequence variant interpretation guidelines (Richards et al. 2015 PMID: 25741868, with internal and published modifications).